The following is an entry in ClinVar:

ClinVar aggregate classification (germline): Uncertain significance. Review status: criteria provided, multiple submitters, no conflicts (2 of 4 stars). 2 submissions from 2 submitters: Uncertain significance (2). Last evaluated 2025-03-08.

Conditions:
Inborn genetic diseases. Identifiers: MedGen C0950123, MeSH D030342.
Hereditary spastic paraplegia 54. Also called: Spastic paraplegia 54, autosomal recessive. Identifiers: Orphanet 320380, MedGen C3539495, MONDO:0014018, OMIM 615033.

Allele frequency attached by ClinVar (database versions not stated): gnomAD exomes below 0.00001; ExAC 0.00001; gnomAD 0.00001; TOPMed 0.00002.
gnomAD v4.1: 1 of 1,610,598 alleles (0.000062%); highest among the groups gnomAD compares: African/African-American, 0.0013%; no homozygotes.

Submissions (2):

Ambry Genetics
Classification: Uncertain significance for Inborn genetic diseases. Last evaluated: 2025-03-08. Review status: criteria provided, single submitter. Criteria: Ambry Variant Classification Scheme 2023. Collection method: clinical testing. Allele origin: germline.

Labcorp Genetics (formerly Invitae), Labcorp
Classification: Uncertain significance for Hereditary spastic paraplegia 54. Last evaluated: 2022-06-04. Review status: criteria provided, single submitter. Criteria: Invitae Variant Classification Sherloc (09022015). Collection method: clinical testing. Allele origin: germline.
Comment: In summary, the available evidence is currently insufficient to determine the role of this variant in disease. Therefore, it has been classified as a Variant of Uncertain Significance. Algorithms developed to predict the effect of missense changes on protein structure and function are either unavailable or do not agree on the potential impact of this missense change (SIFT: "Deleterious"; PolyPhen-2: "Benign"; Align-GVGD: "Class C0"). ClinVar contains an entry for this variant (Variation ID: 652678). This variant has not been reported in the literature in individuals affected with DDHD2-related conditions. This variant is present in population databases (rs750939885, gnomAD 0.007%). This sequence change replaces proline, which is neutral and non-polar, with alanine, which is neutral and non-polar, at codon 127 of the DDHD2 protein (p.Pro127Ala).

NM_015214.3(DDHD2):c.379C>G (p.Pro127Ala)

Gene: DDHD2 (DDHD domain containing 2; plus strand). Cytogenetic location: 8p11.23.
Variant type: single nucleotide variant.
Coding change: c.379C>G on transcript NM_015214.3 (MANE Select); coding-DNA position 379, C replaced by G.
Protein change: p.Pro127Ala; replaces proline 127 with alanine.
Molecular consequence: missense variant. On other transcripts: non-coding transcript variant (2).
Genome position (GRCh38, 1-based): chr8:38,234,552, C>G. VCF-style: chr8-38234552-C-G. GRCh37 (hg19) VCF-style: chr8-38092070-C-G.
Other names: c.379C>G, p.Pro127Ala (NM_001164232.2, NM_001164234.2, NM_001362911.2 and 3 more transcripts); short protein forms P127A.
Identifiers: ClinVar variation 652678 (VCV000652678.6), dbSNP rs750939885, ClinGen allele CA4715952.